The following is an entry in ClinVar:

NM_000501.4(ELN):c.482C>G (p.Pro161Arg)

Gene: ELN (elastin; plus strand). Cytogenetic location: 7q11.23.
Variant type: single nucleotide variant.
Coding change: c.482C>G on transcript NM_000501.4 (MANE Select); coding-DNA position 482, C replaced by G.
Protein change: p.Pro161Arg; replaces proline 161 with arginine.
Molecular consequence: missense variant. On other transcripts: intron variant (1).
Genome position (GRCh38, 1-based): chr7:74,045,234, C>G. VCF-style: chr7-74045234-C-G. GRCh37 (hg19) VCF-style: chr7-73459564-C-G.
Other names: c.452C>G, p.Pro151Arg (NM_001081752.3, NM_001278917.2); c.497C>G, p.Pro166Arg (NM_001081753.3, NM_001081754.3); c.482C>G, p.Pro161Arg (NM_001081755.3, NM_001278912.2, NM_001278915.2 and 2 more transcripts); c.446C>G, p.Pro149Arg (NM_001278913.2); c.467C>G, p.Pro156Arg (NM_001278914.2); c.439+1314C>G (NM_001278918.2); short protein forms P156R, P161R, P149R, P151R, P166R.
Identifiers: ClinVar variation 1387709 (VCV001387709.6), dbSNP rs1792196459, ClinGen allele CA367869705.

ClinVar aggregate classification (germline): Uncertain significance (1 of 4 stars; one submission).

Conditions:
Supravalvar aortic stenosis (SVAS). Also called: Supravalvar aortic stenosis, Eisenberg type. Identifiers: Orphanet 3193, MedGen C0003499, MONDO:0008504, OMIM 185500, HP:0004381.

Allele frequency attached by ClinVar (database versions not stated): gnomAD exomes below 0.00001; gnomAD 0.00001; TOPMed 0.00001.
gnomAD v4.1: 3 of 1,614,036 alleles (0.00019%); highest among the groups gnomAD compares: African/African-American, 0.0013%; no homozygotes.

Submission:

Labcorp Genetics (formerly Invitae), Labcorp
Classification: Uncertain significance for Supravalvar aortic stenosis. Last evaluated: 2024-11-09. Review status: criteria provided, single submitter. Criteria: Invitae Variant Classification Sherloc (09022015). Collection method: clinical testing. Allele origin: germline.
Comment: This sequence change replaces proline, which is neutral and non-polar, with arginine, which is basic and polar, at codon 161 of the ELN protein (p.Pro161Arg). This variant is not present in population databases (gnomAD no frequency). This variant has not been reported in the literature in individuals affected with ELN-related conditions. ClinVar contains an entry for this variant (Variation ID: 1387709). Invitae Evidence Modeling of protein sequence and biophysical properties (such as structural, functional, and spatial information, amino acid conservation, physicochemical variation, residue mobility, and thermodynamic stability) indicates that this missense variant is not expected to disrupt ELN protein function with a negative predictive value of 80%. In summary, the available evidence is currently insufficient to determine the role of this variant in disease. Therefore, it has been classified as a Variant of Uncertain Significance.